The following is an entry in ClinVar:

NM_001330723.2(SNX27):c.968T>A (p.Val323Glu)

Gene: SNX27 (sorting nexin 27; plus strand). Cytogenetic location: 1q21.3.
Variant type: single nucleotide variant.
Coding change: c.968T>A on transcript NM_001330723.2 (MANE Select); coding-DNA position 968, T replaced by A.
Protein change: p.Val323Glu; replaces valine 323 with glutamic acid.
Molecular consequence: missense variant.
Genome position (GRCh38, 1-based): chr1:151,665,994, T>A. VCF-style: chr1-151665994-T-A. GRCh37 (hg19) VCF-style: chr1-151638470-T-A.
Other names: c.659T>A, p.Val220Glu (NM_001437604.1, NM_001437602.1); c.605T>A, p.Val202Glu (NM_001437605.1, NM_001437606.1); c.410T>A, p.Val137Glu (NM_001437607.1, NM_001437608.1); c.968T>A, p.Val323Glu (NM_030918.6); c.665T>A, p.Val222Glu (NM_001437601.1, NM_001437603.1); short protein forms V137E, V220E, V323E, V202E, V222E.
Identifiers: ClinVar variation 4735777 (VCV004735777.1).
Genomic context (GRCh38, chr1:151,665,994, plus strand): 5'-CTATCGCAGCAAAGGTTGGCATGGACAGTACGACAGTGAATTACTTTGCCTTATTTGAAG[T>A]GATCAGTCACTCCTTTGGTAAGTACCAGTGGCTGATACTAAGTTTTGTTTTCTAATACTA-3'
Protein context (NP_001317652.1, residues 313-333): TTVNYFALFE[Val323Glu]ISHSFVRKLA

ClinVar aggregate classification (germline): Uncertain significance (1 of 4 stars; one submission).

Conditions:
Severe myoclonic epilepsy in infancy (DRVT). Also called: SEVERE MYOCLONIC EPILEPSY OF INFANCY; DEVELOPMENTAL AND EPILEPTIC ENCEPHALOPATHY 6A; Severe Myoclonic Epilepsy in Infancy (SMEI); Epileptic encephalopathy, early infantile, 6 (Dravet syndrome); Dravet syndrome. Identifiers: Orphanet 33069, MedGen C0751122, MONDO:0100135, OMIM 607208.

Submission:

Labcorp Genetics (formerly Invitae), Labcorp
Classification: Uncertain significance for Severe myoclonic epilepsy in infancy. Last evaluated: 2026-01-28. Review status: criteria provided, single submitter. Criteria: Invitae Variant Classification Sherloc (09022015). Collection method: clinical testing. Allele origin: germline.
Comment: This sequence change replaces valine, which is neutral and non-polar, with glutamic acid, which is acidic and polar, at codon 323 of the SNX27 protein (p.Val323Glu). This variant is not present in population databases (gnomAD no frequency). This variant has not been reported in the literature in individuals affected with SNX27-related conditions. An algorithm developed to predict the effect of missense changes on protein structure and function (PolyPhen-2) suggests that this variant is likely to be disruptive. In summary, the available evidence is currently insufficient to determine the role of this variant in disease. Therefore, it has been classified as a Variant of Uncertain Significance.